The following is an entry in ClinVar:

ClinVar aggregate classification (germline): Benign (0 of 4 stars; one submission).

Conditions:
HELQ-related disorder. Also called: HELQ-related condition.

Allele frequency attached by ClinVar (database versions not stated): gnomAD exomes 0.41472; ESP Exome Variant Server 0.41973; gnomAD 0.44032; TOPMed 0.44041; ExAC 0.46681; 1000 Genomes Project 0.50779; 1000 Genomes Project 30x 0.50843.
gnomAD v4.1: 636,132 of 1,524,536 alleles (42%); highest among the groups gnomAD compares: East Asian, 64%; 137,415 homozygotes.

Submission:

PreventionGenetics, part of Exact Sciences
Classification: Benign for HELQ-related condition. Last evaluated: 2019-10-21. Review status: no assertion criteria provided. Collection method: clinical testing. Allele origin: germline.
Comment: This variant is classified as benign based on ACMG/AMP sequence variant interpretation guidelines (Richards et al. 2015 PMID: 25741868, with internal and published modifications).

NM_133636.5(HELQ):c.1482T>C (p.Ile494=)

Gene: HELQ (helicase, POLQ like; minus strand). Cytogenetic location: 4q21.23.
Variant type: single nucleotide variant.
Coding change: c.1482T>C on transcript NM_133636.5 (MANE Select); coding-DNA position 1482, T replaced by C.
Protein change: p.Ile494=; no amino-acid change (isoleucine 494 retained).
Molecular consequence: synonymous variant. On other transcripts: 5 prime UTR variant (1), intron variant (1).
Genome position (GRCh38, 1-based): chr4:83,443,598, A>G on the plus strand (T>C on the coding strand, the complement: HELQ is on the minus strand). VCF-style: chr4-83443598-A-G. GRCh37 (hg19) VCF-style: chr4-84364751-A-G.
Other names: c.1281T>C, p.Ile427= (NM_001297755.2); c.-23T>C (NM_001297756.2); c.-69-2195T>C (NM_001297757.2).
Identifiers: ClinVar variation 3059382 (VCV003059382.2), dbSNP rs7665103, ClinGen allele CA2989734.
Genomic context (GRCh38, chr4:83,443,598, plus strand): 5'-ATATTCTGCTTGAAGAAACTTTTGTAGGTCTTCAACATTGTTTAATGTTGCACTCATACC[A>G]ATAATTTGAGTCGTTTCTAAAACACAAACAAACAAAAGCCAAAGTGTTAAGGAAAATATG-3'
Protein context (NP_598375.3, residues 484-504): ILYTSKTTQI[Ile494=]GMSATLNNVE